The following is an entry in ClinVar:

NM_001005498.4(RHBDF2):c.681G>A (p.Ser227=)

Gene: RHBDF2 (rhomboid 5 homolog 2; minus strand). Cytogenetic location: 17q25.1.
Variant type: single nucleotide variant.
Coding change: c.681G>A on transcript NM_001005498.4 (MANE Select); coding-DNA position 681, G replaced by A.
Protein change: p.Ser227=; no amino-acid change (serine 227 retained).
Molecular consequence: synonymous variant. On other transcripts: non-coding transcript variant (3).
Genome position (GRCh38, 1-based): chr17:76,477,777, C>T on the plus strand (G>A on the coding strand, the complement: RHBDF2 is on the minus strand). VCF-style: chr17-76477777-C-T. GRCh37 (hg19) VCF-style: chr17-74473859-C-T.
Other names: c.681G>A, p.Ser227= (NM_001376228.1, NM_001376229.1, NM_001376230.1); c.768G>A, p.Ser256= (NM_024599.5).
Identifiers: ClinVar variation 325450 (VCV000325450.18), dbSNP rs33995520, ClinGen allele CA8787262.

ClinVar aggregate classification (germline): Benign/Likely benign. Review status: criteria provided, multiple submitters, no conflicts (2 of 4 stars). 5 submissions from 5 submitters: Benign (2); Likely benign (2). 1 of the submissions does not count toward it. Last evaluated 2026-01-26.

Conditions:
RHBDF2-related disorder. Also called: RHBDF2-related condition.
Palmoplantar keratoderma-esophageal carcinoma syndrome (TOC). Also called: PALMOPLANTAR KERATODERMA WITH ESOPHAGEAL CANCER; KERATOSIS PALMARIS ET PLANTARIS WITH ESOPHAGEAL CANCER; Tylosis with Esophageal Cancer. Identifiers: Orphanet 2198, MedGen C1835664, MONDO:0007856, OMIM 148500.

Allele frequency attached by ClinVar (database versions not stated): TOPMed 0.00053; ESP Exome Variant Server 0.00092; gnomAD exomes 0.00129 and 0.00192; gnomAD 0.00154 and 0.00162; ExAC 0.00186; 1000 Genomes Project 30x 0.00187; 1000 Genomes Project 0.00200.

Submissions (5):

Labcorp Genetics (formerly Invitae), Labcorp
Classification: Benign. Last evaluated: 2026-01-26. Review status: criteria provided, single submitter. Criteria: Invitae Variant Classification Sherloc (09022015). Collection method: clinical testing. Allele origin: germline.

Blueprint Genetics
Classification: Likely benign. Last evaluated: 2024-11-08. Review status: criteria provided, single submitter. Criteria: ACMG Guidelines, 2015. Collection method: clinical testing. Allele origin: germline.

KCCC/NGS Laboratory, Kuwait Cancer Control Center
Classification: Likely benign for Palmoplantar keratoderma-esophageal carcinoma syndrome. Last evaluated: 2023-07-07. Review status: criteria provided, single submitter. Criteria: ACMG Guidelines, 2015. Collection method: clinical testing. Allele origin: germline. Affected: yes.

Illumina Laboratory Services, Illumina
Classification: Benign for Palmoplantar keratoderma-esophageal carcinoma syndrome. Last evaluated: 2018-01-13. Review status: criteria provided, single submitter. Criteria: ICSL Variant Classification Criteria 13 December 2019. Collection method: clinical testing. Allele origin: germline.
Comment: This variant was observed in the ICSL laboratory as part of a predisposition screen in an ostensibly healthy population. It had not been previously curated by ICSL or reported in the Human Gene Mutation Database (HGMD: prior to June 1st, 2018), and was therefore a candidate for classification through an automated scoring system. Utilizing variant allele frequency, disease prevalence and penetrance estimates, and inheritance mode, an automated score was calculated to assess if this variant is too frequent to cause the disease. Based on the score and internal cut-off values, a variant classified as benign is not then subjected to further curation. The score for this variant resulted in a classification of benign for this disease.

PreventionGenetics, part of Exact Sciences
Classification: Benign for RHBDF2-related condition. Last evaluated: 2019-05-13. Review status: no assertion criteria provided. Collection method: clinical testing. Allele origin: germline. Not counted in ClinVar's aggregate classification.
Comment: This variant is classified as benign based on ACMG/AMP sequence variant interpretation guidelines (Richards et al. 2015 PMID: 25741868, with internal and published modifications).